The following is an entry in ClinVar:

ClinVar aggregate classification (germline): Pathogenic (1 of 4 stars; one submission).

Submission:

MVZ Dr. Eberhard & Partner Dortmund
Classification: Pathogenic. Last evaluated: 2021-09-16. Review status: criteria provided, single submitter. Criteria: ACMG Guidelines, 2015. Collection method: clinical testing. Allele origin: unknown. Observed: 2 compound heterozygotes. Clinical features observed: abdominal situs inversus, cleft palate, polysplenia, Abnormality of cardiovascular system morphology.
Comment: This sequence change creates a premature STOP codon predicted to cause loss of function due to nonsense mediated decay (NMD), which is a known mechanisms of disease in PKD1L1 associated autosomal visceral heterotaxy-8 (HTX8, PMID: 27616478, 31026592, 33655537). The variant has not been reported in literature so far and is not present in controls from the Exome Sequencing Project, 1000 Genomes Project and the Genome Aggregation Database. This variant is considered to be pathogenic according to the ACMG guidelines.

NM_138295.5(PKD1L1):c.52C>T (p.Gln18Ter)

Gene: PKD1L1 (polycystin 1 like 1, transient receptor potential channel interacting; minus strand). Cytogenetic location: 7p12.3.
Variant type: single nucleotide variant.
Coding change: c.52C>T on transcript NM_138295.5 (MANE Select); coding-DNA position 52, C replaced by T.
Protein change: p.Gln18Ter; replaces glutamine 18 with a stop codon.
Molecular consequence: nonsense.
Genome position (GRCh38, 1-based): chr7:47,943,504, G>A on the plus strand (C>T on the coding strand, the complement: PKD1L1 is on the minus strand). VCF-style: chr7-47943504-G-A. GRCh37 (hg19) VCF-style: chr7-47983101-G-A.
Other names: short protein forms Q18*.
Identifiers: ClinVar variation 1676821 (VCV001676821.2), dbSNP rs2128759192, ClinGen allele CA367470425.